The following is an entry in ClinVar:

ClinVar aggregate classification (germline): Likely benign. Review status: criteria provided, multiple submitters, no conflicts (2 of 4 stars). 2 submissions from 2 submitters: Likely benign (2). Last evaluated 2023-02-27.

Allele frequency attached by ClinVar (database versions not stated): TOPMed 0.00001; gnomAD exomes 0.00002; ExAC 0.00004; gnomAD 0.00001.
gnomAD v4.1: 36 of 1,607,072 alleles (0.0022%); highest among the groups gnomAD compares: Middle Eastern, 0.017%; no homozygotes.

Submissions (2):

Labcorp Genetics (formerly Invitae), Labcorp
Classification: Likely benign. Last evaluated: 2023-02-27. Review status: criteria provided, single submitter. Criteria: Invitae Variant Classification Sherloc (09022015). Collection method: clinical testing. Allele origin: germline.

CeGaT Center for Human Genetics Tuebingen
Classification: Likely benign. Last evaluated: 2022-09-01. Review status: criteria provided, single submitter. Criteria: CeGaT Center For Human Genetics Tuebingen Variant Classification Criteria Version 2. Collection method: clinical testing. Allele origin: germline. Affected: yes. Observed: 1 variant allele.
Comment: KMT2B: BP4, BP7

NM_014727.3(KMT2B):c.465G>A (p.Lys155=)

Gene: KMT2B (lysine methyltransferase 2B; plus strand). Cytogenetic location: 19q13.12.
Variant type: single nucleotide variant.
Coding change: c.465G>A on transcript NM_014727.3 (MANE Select); coding-DNA position 465, G replaced by A.
Protein change: p.Lys155=; no amino-acid change (lysine 155 retained).
Molecular consequence: synonymous variant.
Genome position (GRCh38, 1-based): chr19:35,719,812, G>A. VCF-style: chr19-35719812-G-A. GRCh37 (hg19) VCF-style: chr19-36210714-G-A.
Identifiers: ClinVar variation 2649727 (VCV002649727.27), dbSNP rs757049498, ClinGen allele CA9384030.
Genomic context (GRCh38, chr19:35,719,812, plus strand): 5'-GATCCATCTCCCCACAACTATTCTCCTTTTAGGTCGAGCGCCCCGAGGTCGGGGTCGCAA[G>A]CATAAGACGACCCCCCTTCCTCCTCCTCGCCTAGCAGATGTGGCTCCTACCCCCCCAAAG-3'
Protein context (NP_055542.1, residues 145-165): RGRAPRGRGR[Lys155=]HKTTPLPPPR